The following is an entry in ClinVar:

ClinVar aggregate classification (germline): Likely benign. Review status: criteria provided, multiple submitters, no conflicts (2 of 4 stars). 5 submissions from 5 submitters: Likely benign (5). Last evaluated 2026-08-01.

Conditions:
ATP1A3-related disorder. Also called: ATP1A3-related disorders; ATP1A3-related condition. Identifiers: MedGen CN381097.
Dystonia 12 (DYT12). Also called: Rapid-Onset Dystonia-Parkinsonism (RDP); DYT-ATP1A3. Identifiers: Orphanet 71517, MedGen C1868681, MONDO:0007496, OMIM 128235.

Allele frequency attached by ClinVar (database versions not stated): TOPMed 0.00006.
gnomAD v4.1: 66 of 1,614,006 alleles (0.0041%); highest among the groups gnomAD compares: Non-Finnish European, 0.0054%; no homozygotes.

Submissions (5):

CeGaT Center for Human Genetics Tuebingen
Classification: Likely benign. Last evaluated: 2026-08-01. Review status: criteria provided, single submitter. Criteria: CeGaT Center For Human Genetics Tuebingen Variant Classification Criteria Version 2. Collection method: clinical testing. Allele origin: germline. Affected: yes. Observed: 2 variant alleles.
Comment: ATP1A3: BP4, BP7

PreventionGenetics, part of Exact Sciences
Classification: Likely benign for ATP1A3-related condition. Last evaluated: 2025-08-05. Review status: criteria provided, single submitter. Criteria: ACMG Guidelines, 2015. Collection method: clinical testing. Allele origin: germline.
Comment: This variant is classified as likely benign based on ACMG/AMP sequence variant interpretation guidelines (Richards et al. 2015 PMID: 25741868, with internal and published modifications).

Labcorp Genetics (formerly Invitae), Labcorp
Classification: Likely benign for Dystonia 12. Last evaluated: 2024-12-19. Review status: criteria provided, single submitter. Criteria: Invitae Variant Classification Sherloc (09022015). Collection method: clinical testing. Allele origin: germline.

Blueprint Genetics
Classification: Likely benign. Last evaluated: 2023-11-29. Review status: criteria provided, single submitter. Criteria: ACMG Guidelines, 2015. Collection method: clinical testing. Allele origin: germline.

GeneDx
Classification: Likely benign. Last evaluated: 2020-12-08. Review status: criteria provided, single submitter. Criteria: GeneDx Variant Classification Process June 2021. Collection method: clinical testing. Allele origin: germline. Affected: yes.

NM_152296.5(ATP1A3):c.909C>G (p.Leu303=)

Gene: ATP1A3 (ATPase Na+/K+ transporting subunit alpha 3; minus strand). Cytogenetic location: 19q13.2.
Variant type: single nucleotide variant.
Coding change: c.909C>G on transcript NM_152296.5 (MANE Select); coding-DNA position 909, C replaced by G.
Protein change: p.Leu303=; no amino-acid change (leucine 303 retained).
Molecular consequence: synonymous variant.
Genome position (GRCh38, 1-based): chr19:41,985,002, G>C on the plus strand (C>G on the coding strand, the complement: ATP1A3 is on the minus strand). VCF-style: chr19-41985002-G-C. GRCh37 (hg19) VCF-style: chr19-42489154-G-C.
Other names: c.942C>G, p.Leu314= (NM_001256213.2); c.948C>G, p.Leu316= (NM_001256214.2); c.948C>G (NM_001256214.1).
Identifiers: ClinVar variation 698927 (VCV000698927.49), dbSNP rs782266448, ClinGen allele CA9467764.
Genomic context (GRCh38, chr19:41,985,002, plus strand): 5'-TGGGACATTGGCCACGATGATGCCGATGAGGAAGATGACAGCCTCAAGCCAGGTGTATCC[G>C]AGAATGAGGGAGAGGATGAAGAAGGAGACACCCAGGAAGACAGCCACGCCGGTGATGAGC-3'
Protein context (NP_689509.1, residues 293-313): GVSFFILSLI[Leu303=]GYTWLEAVIF